The following is an entry in ClinVar:

ClinVar aggregate classification (germline): Uncertain significance (1 of 4 stars; one submission).

Allele frequency attached by ClinVar (database versions not stated): gnomAD 0.00004; TOPMed 0.00001.

Submission:

Labcorp Genetics (formerly Invitae), Labcorp
Classification: Uncertain significance. Last evaluated: 2025-09-02. Review status: criteria provided, single submitter. Criteria: Invitae Variant Classification Sherloc (09022015). Collection method: clinical testing. Allele origin: germline.
Comment: This sequence change replaces histidine, which is basic and polar, with leucine, which is neutral and non-polar, at codon 592 of the TMEM132E protein (p.His592Leu). This variant is present in population databases (no rsID available, gnomAD 0.03%). This variant has not been reported in the literature in individuals affected with TMEM132E-related conditions. ClinVar contains an entry for this variant (Variation ID: 1449255). Experimental studies and prediction algorithms are not available or were not evaluated, and the functional significance of this variant is currently unknown. In summary, the available evidence is currently insufficient to determine the role of this variant in disease. Therefore, it has been classified as a Variant of Uncertain Significance.

NM_001304438.2(TMEM132E):c.1775A>T (p.His592Leu)

Gene: TMEM132E (transmembrane protein 132E; plus strand). Cytogenetic location: 17q12.
Variant type: single nucleotide variant.
Coding change: c.1775A>T on transcript NM_001304438.2 (MANE Select); coding-DNA position 1775, A replaced by T.
Protein change: p.His592Leu; replaces histidine 592 with leucine.
Molecular consequence: missense variant.
Genome position (GRCh38, 1-based): chr17:34,634,885, A>T. VCF-style: chr17-34634885-A-T. GRCh37 (hg19) VCF-style: chr17-32961904-A-T.
Other names: short protein forms H592L.
Identifiers: ClinVar variation 1449255 (VCV001449255.6), dbSNP rs1254963764, ClinGen allele CA399066016.